The following is an entry in ClinVar:

ClinVar aggregate classification (germline): Uncertain significance. Review status: criteria provided, multiple submitters, no conflicts (2 of 4 stars). 2 submissions from 2 submitters: Uncertain significance (2). Last evaluated 2025-09-28.

Allele frequency attached by ClinVar (database versions not stated): ExAC 0.00001; gnomAD exomes 0.00001; TOPMed 0.00001.
gnomAD v4.1: 8 of 1,608,164 alleles (0.0005%); highest among the groups gnomAD compares: Admixed American, 0.0034%; no homozygotes.

Submissions (2):

Labcorp Genetics (formerly Invitae), Labcorp
Classification: Uncertain significance. Last evaluated: 2025-09-28. Review status: criteria provided, single submitter. Criteria: Invitae Variant Classification Sherloc (09022015). Collection method: clinical testing. Allele origin: germline.
Comment: This sequence change replaces histidine, which is basic and polar, with tyrosine, which is neutral and polar, at codon 646 of the AP3D1 protein (p.His646Tyr). The frequency data for this variant in the population databases is considered unreliable, as metrics indicate poor data quality at this position in the gnomAD database. This variant has not been reported in the literature in individuals affected with AP3D1-related conditions. ClinVar contains an entry for this variant (Variation ID: 3014548). An algorithm developed to predict the effect of missense changes on protein structure and function (PolyPhen-2) suggests that this variant is likely to be tolerated. In summary, the available evidence is currently insufficient to determine the role of this variant in disease. Therefore, it has been classified as a Variant of Uncertain Significance.

GeneDx
Classification: Uncertain significance. Last evaluated: 2024-10-21. Review status: criteria provided, single submitter. Criteria: GeneDx Variant Classification Process June 2021. Collection method: clinical testing. Allele origin: germline. Affected: yes.
Comment: In silico analysis indicates that this missense variant does not alter protein structure/function; Has not been previously published as pathogenic or benign to our knowledge; Variants in candidate genes are classified as variants of uncertain significance in accordance with ACMG guidelines (PMID: 25741868)

NM_001261826.3(AP3D1):c.1936C>T (p.His646Tyr)

Gene: AP3D1 (adaptor related protein complex 3 subunit delta 1; minus strand). Cytogenetic location: 19p13.3.
Variant type: single nucleotide variant.
Coding change: c.1936C>T on transcript NM_001261826.3 (MANE Select); coding-DNA position 1936, C replaced by T.
Protein change: p.His646Tyr; replaces histidine 646 with tyrosine.
Molecular consequence: missense variant.
Genome position (GRCh38, 1-based): chr19:2,116,670, G>A on the plus strand (C>T on the coding strand, the complement: AP3D1 is on the minus strand). VCF-style: chr19-2116670-G-A. GRCh37 (hg19) VCF-style: chr19-2116669-G-A.
Other names: c.1936C>T, p.His646Tyr (NM_001374799.1, NM_003938.8); c.1936C>T (NM_001261826.1); short protein forms H646Y.
Identifiers: ClinVar variation 3014548 (VCV003014548.4), dbSNP rs780862742, ClinGen allele CA9059118.